The following is an entry in ClinVar:

NM_001002295.2(GATA3):c.910C>A (p.Pro304Thr)

Gene: GATA3 (GATA binding protein 3; plus strand). Cytogenetic location: 10p14.
Variant type: single nucleotide variant.
Coding change: c.910C>A on transcript NM_001002295.2 (MANE Select); coding-DNA position 910, C replaced by A.
Protein change: p.Pro304Thr; replaces proline 304 with threonine.
Molecular consequence: missense variant.
Genome position (GRCh38, 1-based): chr10:8,064,124, C>A. VCF-style: chr10-8064124-C-A. GRCh37 (hg19) VCF-style: chr10-8106087-C-A.
Other names: c.907C>A, p.Pro303Thr (NM_002051.3); short protein forms P303T, P304T.
Identifiers: ClinVar variation 1720214 (VCV001720214.5), dbSNP rs2131501233, ClinGen allele CA375973811.

ClinVar aggregate classification (germline): Uncertain significance (1 of 4 stars; one submission).

Submission:

Labcorp Genetics (formerly Invitae), Labcorp
Classification: Uncertain significance. Last evaluated: 2022-09-23. Review status: criteria provided, single submitter. Criteria: Invitae Variant Classification Sherloc (09022015). Collection method: clinical testing. Allele origin: germline.
Comment: Advanced modeling of protein sequence and biophysical properties (such as structural, functional, and spatial information, amino acid conservation, physicochemical variation, residue mobility, and thermodynamic stability) has been performed at Invitae for this missense variant, however the output from this modeling did not meet the statistical confidence thresholds required to predict the impact of this variant on GATA3 protein function. In summary, the available evidence is currently insufficient to determine the role of this variant in disease. Therefore, it has been classified as a Variant of Uncertain Significance. This variant has not been reported in the literature in individuals affected with GATA3-related conditions. This variant is not present in population databases (gnomAD no frequency). This sequence change replaces proline, which is neutral and non-polar, with threonine, which is neutral and polar, at codon 304 of the GATA3 protein (p.Pro304Thr).